The following is an entry in ClinVar:

NM_020877.5(DNAH2):c.2978+10_2978+26del

Gene: DNAH2 (dynein axonemal heavy chain 2; plus strand). Cytogenetic location: 17p13.1.
Variant type: Deletion.
Coding change: c.2978+10_2978+26del on transcript NM_020877.5 (MANE Select); bases 10 to 26 of the intron after coding-DNA position 2978, 17 bases deleted (GAGGGTGGATTGAAAGT).
Molecular consequence: intron variant.
Genome position (GRCh38, 1-based): chr17:7,760,942-7,760,958, GAGGGTGGATTGAAAGT deleted; deleting any 17 consecutive bases within chr17:7,760,940-7,760,958 gives the same sequence; the c. name uses the placement nearest the transcript's 3' end. VCF-style (leftmost placement, unchanged base first): chr17-7760939-GGTGAGGGTGGATTGAAA-G. GRCh37 (hg19) VCF-style: chr17-7664257-GGTGAGGGTGGATTGAAA-G.
Identifiers: ClinVar variation 3037868 (VCV003037868.2), dbSNP rs545409597, ClinGen allele CA8356621.
Genomic context (GRCh38, chr17:7,760,939, plus strand): 5'-TCGCTACCAGCGCCTCAACCCTCCTGTCTCTTCTTTTGTTGCCGACATTGCCCGGTGAGT[GGTGAGGGTGGATTGAAA>G]GTCTGTCTGTAGGAGGCACAGCACTGCAGGAGGAGCCCAGGCCTAGAGTCTTGGGAAGTG-3'

ClinVar aggregate classification (germline): Likely benign (0 of 4 stars; one submission).

Conditions:
DNAH2-related disorder. Also called: DNAH2-related condition.

Submission:

PreventionGenetics, part of Exact Sciences
Classification: Likely benign for DNAH2-related condition. Last evaluated: 2020-01-31. Review status: no assertion criteria provided. Collection method: clinical testing. Allele origin: germline.
Comment: This variant is classified as likely benign based on ACMG/AMP sequence variant interpretation guidelines (Richards et al. 2015 PMID: 25741868, with internal and published modifications).